The following is an entry in ClinVar:

NM_003748.4(ALDH4A1):c.1236C>A (p.Ser412Arg)

Gene: ALDH4A1 (aldehyde dehydrogenase 4 family member A1; minus strand). Cytogenetic location: 1p36.13.
Variant type: single nucleotide variant.
Coding change: c.1236C>A on transcript NM_003748.4 (MANE Select); coding-DNA position 1236, C replaced by A.
Protein change: p.Ser412Arg; replaces serine 412 with arginine.
Molecular consequence: missense variant. On other transcripts: intron variant (1).
Genome position (GRCh38, 1-based): chr1:18,876,417, G>T on the plus strand (C>A on the coding strand, the complement: ALDH4A1 is on the minus strand). VCF-style: chr1-18876417-G-T. GRCh37 (hg19) VCF-style: chr1-19202911-G-T.
Other names: c.1056C>A, p.Ser352Arg (NM_001161504.2); c.1236C>A, p.Ser412Arg (NM_170726.3); c.1185+791C>A (NM_001319218.2); short protein forms S412R, S352R.
Identifiers: ClinVar variation 2712669 (VCV002712669.3), dbSNP rs201762741, ClinGen allele CA646987.

ClinVar aggregate classification (germline): Uncertain significance (1 of 4 stars; one submission).

Conditions:
Hyperprolinemia type 2 (HYRPRO2). Also called: Deficiency of pyrroline-5-carboxylate reductase; Delta-1-pyrroline-5-carboxylate dehydrogenase deficiency; 1-PYRROLINE-5-CARBOXYLATE DEHYDROGENASE DEFICIENCY. Identifiers: Orphanet 79101, MedGen C2931835, MONDO:0009401, OMIM 239510.

gnomAD v4.1: 204 of 1,612,212 alleles (0.013%); highest among the groups gnomAD compares: Non-Finnish European, 0.015%; no homozygotes.

Submission:

Labcorp Genetics (formerly Invitae), Labcorp
Classification: Uncertain significance for Hyperprolinemia type 2. Last evaluated: 2022-12-20. Review status: criteria provided, single submitter. Criteria: Invitae Variant Classification Sherloc (09022015). Collection method: clinical testing. Allele origin: germline.
Comment: This sequence change replaces serine, which is neutral and polar, with arginine, which is basic and polar, at codon 412 of the ALDH4A1 protein (p.Ser412Arg). In summary, the available evidence is currently insufficient to determine the role of this variant in disease. Therefore, it has been classified as a Variant of Uncertain Significance. Algorithms developed to predict the effect of missense changes on protein structure and function are either unavailable or do not agree on the potential impact of this missense change (SIFT: "Deleterious"; PolyPhen-2: "Benign"; Align-GVGD: "Class C15"). This variant has not been reported in the literature in individuals affected with ALDH4A1-related conditions. This variant is present in population databases (rs201762741, gnomAD 0.01%).